The following is an entry in ClinVar:

ClinVar aggregate classification (germline): Uncertain significance (1 of 4 stars; one submission).

Submission:

Labcorp Genetics (formerly Invitae), Labcorp
Classification: Uncertain significance. Last evaluated: 2024-07-19. Review status: criteria provided, single submitter. Criteria: Invitae Variant Classification Sherloc (09022015). Collection method: clinical testing. Allele origin: germline.
Comment: This sequence change replaces valine, which is neutral and non-polar, with glycine, which is neutral and non-polar, at codon 118 of the RNF31 protein (p.Val118Gly). This variant is not present in population databases (gnomAD no frequency). This variant has not been reported in the literature in individuals affected with RNF31-related conditions. An algorithm developed to predict the effect of missense changes on protein structure and function (PolyPhen-2) suggests that this variant is likely to be disruptive. In summary, the available evidence is currently insufficient to determine the role of this variant in disease. Therefore, it has been classified as a Variant of Uncertain Significance.

NM_017999.5(RNF31):c.353T>G (p.Val118Gly)

Gene: RNF31 (ring finger protein 31; plus strand). Cytogenetic location: 14q12.
Variant type: single nucleotide variant.
Coding change: c.353T>G on transcript NM_017999.5 (MANE Select); coding-DNA position 353, T replaced by G.
Protein change: p.Val118Gly; replaces valine 118 with glycine.
Molecular consequence: missense variant. On other transcripts: 5 prime UTR variant (1).
Genome position (GRCh38, 1-based): chr14:24,148,271, T>G. VCF-style: chr14-24148271-T-G. GRCh37 (hg19) VCF-style: chr14-24617480-T-G.
Other names: c.-165T>G (NM_001310332.2); short protein forms V118G.
Identifiers: ClinVar variation 3659858 (VCV003659858.2).